The following is an entry in ClinVar:

ClinVar aggregate classification (germline): Uncertain significance. Review status: criteria provided, multiple submitters, no conflicts (2 of 4 stars). 4 submissions from 4 submitters: Uncertain significance (4). Last evaluated 2025-04-29.

Conditions:
Inborn genetic diseases. Identifiers: MedGen C0950123, MeSH D030342.
Jeune thoracic dystrophy. Also called: Jeune syndrome; Infantile thoracic dystrophy; Thoracic pelvic phalangeal dystrophy; Jeune's syndrome; Chondroectodermal dysplasia-like syndrome; Short-rib thoracic dysplasia. Identifiers: Orphanet 474, MedGen C0265275, MONDO:0018770.

Allele frequency attached by ClinVar (database versions not stated): ExAC 0.00003; gnomAD exomes 0.00004; gnomAD 0.00006 and 0.00012; ESP Exome Variant Server 0.00008; TOPMed 0.00009.
gnomAD v4.1: 78 of 1,612,546 alleles (0.0048%); highest among the groups gnomAD compares: Non-Finnish European, 0.0054%; no homozygotes.

Submissions (4):

Ambry Genetics
Classification: Uncertain significance for Inborn genetic diseases. Last evaluated: 2025-04-29. Review status: criteria provided, single submitter. Criteria: Ambry Variant Classification Scheme 2023. Collection method: clinical testing. Allele origin: germline.

Blueprint Genetics
Classification: Uncertain significance. Last evaluated: 2024-08-28. Review status: criteria provided, single submitter. Criteria: ACMG Guidelines, 2015. Collection method: clinical testing. Allele origin: germline.

GeneDx
Classification: Uncertain significance. Last evaluated: 2024-08-21. Review status: criteria provided, single submitter. Criteria: GeneDx Variant Classification Process June 2021. Collection method: clinical testing. Allele origin: germline. Affected: yes.
Comment: Not observed at significant frequency in large population cohorts (gnomAD); In silico analysis indicates that this missense variant does not alter protein structure/function; Has not been previously published as pathogenic or benign to our knowledge

Labcorp Genetics (formerly Invitae), Labcorp
Classification: Uncertain significance for Jeune thoracic dystrophy. Last evaluated: 2022-10-18. Review status: criteria provided, single submitter. Criteria: Invitae Variant Classification Sherloc (09022015). Collection method: clinical testing. Allele origin: germline.
Comment: This sequence change replaces serine, which is neutral and polar, with proline, which is neutral and non-polar, at codon 2233 of the DYNC2H1 protein (p.Ser2233Pro). This variant is present in population databases (rs375988913, gnomAD 0.01%). This variant has not been reported in the literature in individuals affected with DYNC2H1-related conditions. ClinVar contains an entry for this variant (Variation ID: 528903). Advanced modeling of protein sequence and biophysical properties (such as structural, functional, and spatial information, amino acid conservation, physicochemical variation, residue mobility, and thermodynamic stability) performed at Invitae indicates that this missense variant is not expected to disrupt DYNC2H1 protein function. In summary, the available evidence is currently insufficient to determine the role of this variant in disease. Therefore, it has been classified as a Variant of Uncertain Significance.

NM_001377.3(DYNC2H1):c.6697T>C (p.Ser2233Pro)

Gene: DYNC2H1 (dynein cytoplasmic 2 heavy chain 1; plus strand). Cytogenetic location: 11q22.3.
Variant type: single nucleotide variant.
Coding change: c.6697T>C on transcript NM_001377.3 (MANE Select); coding-DNA position 6697, T replaced by C.
Protein change: p.Ser2233Pro; replaces serine 2233 with proline.
Molecular consequence: missense variant.
Genome position (GRCh38, 1-based): chr11:103,186,305, T>C. VCF-style: chr11-103186305-T-C. GRCh37 (hg19) VCF-style: chr11-103057034-T-C.
Other names: c.6697T>C, p.Ser2233Pro (NM_001080463.2); short protein forms S2233P.
Identifiers: ClinVar variation 528903 (VCV000528903.8), dbSNP rs375988913, ClinGen allele CA6254046.
Genomic context (GRCh38, chr11:103,186,305, plus strand): 5'-TTTCATTGGGCACGAGAATCTCCTCCAGACTTTCACAAACCTATGGATACCTACTATGAC[T>C]CTACTAGGGGTCGATTAGCAACATATGTGCTTAAGAAGCCAGAAGACTTGACTGCTGATG-3'
Protein context (NP_001368.2, residues 2223-2243): FHKPMDTYYD[Ser2233Pro]TRGRLATYVL